The following is an entry in ClinVar:

NM_004519.4(KCNQ3):c.1251G>C (p.Glu417Asp)

Gene: KCNQ3 (potassium voltage-gated channel subfamily Q member 3; minus strand). Cytogenetic location: 8q24.22.
Variant type: single nucleotide variant.
Coding change: c.1251G>C on transcript NM_004519.4 (MANE Select); coding-DNA position 1251, G replaced by C.
Protein change: p.Glu417Asp; replaces glutamic acid 417 with aspartic acid.
Molecular consequence: missense variant.
Genome position (GRCh38, 1-based): chr8:132,163,479, C>G on the plus strand (G>C on the coding strand, the complement: KCNQ3 is on the minus strand). VCF-style: chr8-132163479-C-G. GRCh37 (hg19) VCF-style: chr8-133175726-C-G.
Other names: c.891G>C, p.Glu297Asp (NM_001204824.2); short protein forms E297D, E417D.
Identifiers: ClinVar variation 3637107 (VCV003637107.2).

ClinVar aggregate classification (germline): Uncertain significance (1 of 4 stars; one submission).

Conditions:
Benign neonatal seizures. Also called: Benign familial neonatal seizures; Convulsions benign familial neonatal dominant form; Autosomal dominant form of benign neonatal seizures; Benign neonatal familial convulsions; Benign familial neonatal epilepsy. Identifiers: Orphanet 1949, MedGen C0220669, MONDO:0016027.

Submission:

Labcorp Genetics (formerly Invitae), Labcorp
Classification: Uncertain significance for Benign neonatal seizures. Last evaluated: 2024-08-07. Review status: criteria provided, single submitter. Criteria: Invitae Variant Classification Sherloc (09022015). Collection method: clinical testing. Allele origin: germline.
Comment: This sequence change replaces glutamic acid, which is acidic and polar, with aspartic acid, which is acidic and polar, at codon 417 of the KCNQ3 protein (p.Glu417Asp). This variant is not present in population databases (gnomAD no frequency). This variant has not been reported in the literature in individuals affected with KCNQ3-related conditions. Advanced modeling of protein sequence and biophysical properties (such as structural, functional, and spatial information, amino acid conservation, physicochemical variation, residue mobility, and thermodynamic stability) performed at Invitae indicates that this missense variant is not expected to disrupt KCNQ3 protein function with a negative predictive value of 95%. In summary, the available evidence is currently insufficient to determine the role of this variant in disease. Therefore, it has been classified as a Variant of Uncertain Significance.